The following is an entry in ClinVar:

NM_001329943.3(KIAA0586):c.1667C>T (p.Ser556Leu)

Gene: KIAA0586 (KIAA0586; plus strand). Cytogenetic location: 14q23.1.
Variant type: single nucleotide variant.
Coding change: c.1667C>T on transcript NM_001329943.3 (MANE Select); coding-DNA position 1667, C replaced by T.
Protein change: p.Ser556Leu; replaces serine 556 with leucine.
Molecular consequence: missense variant. On other transcripts: intron variant (1).
Genome position (GRCh38, 1-based): chr14:58,459,853, C>T. VCF-style: chr14-58459853-C-T. GRCh37 (hg19) VCF-style: chr14-58926571-C-T.
Other names: c.1826C>T, p.Ser609Leu (NM_001244189.2); c.1622C>T, p.Ser541Leu (NM_001244190.2); c.1412C>T, p.Ser471Leu (NM_001244191.2, NM_001329945.2, NM_001364700.1 and 1 more transcripts); c.1535C>T, p.Ser512Leu (NM_001244192.2); c.1247C>T, p.Ser416Leu (NM_001244193.2); c.1667C>T, p.Ser556Leu (NM_001329944.2, NM_001329946.2, NM_001329947.2); c.1657-1133C>T (NM_014749.5); short protein forms S609L, S512L, S541L, S416L, S471L, S556L.
Identifiers: ClinVar variation 2107483 (VCV002107483.4), dbSNP rs2040184796, ClinGen allele CA389870391.

ClinVar aggregate classification (germline): Uncertain significance (1 of 4 stars; one submission).

Conditions:
Short-rib thoracic dysplasia 14 with polydactyly (SRTD14). Identifiers: Orphanet 397715, MedGen C4225286, MONDO:0014688, OMIM 616546.
Joubert syndrome 23 (JBTS23). Identifiers: Orphanet 475, MedGen C4084822, MONDO:0014664, OMIM 616490.

Allele frequency attached by ClinVar (database versions not stated): TOPMed below 0.00001.

Submission:

Labcorp Genetics (formerly Invitae), Labcorp
Classification: Uncertain significance for Joubert syndrome 23; Short-rib thoracic dysplasia 14 with polydactyly. Last evaluated: 2022-03-06. Review status: criteria provided, single submitter. Criteria: Invitae Variant Classification Sherloc (09022015). Collection method: clinical testing. Allele origin: germline.
Comment: This sequence change replaces serine, which is neutral and polar, with leucine, which is neutral and non-polar, at codon 609 of the KIAA0586 protein (p.Ser609Leu). Algorithms developed to predict the effect of missense changes on protein structure and function (SIFT, PolyPhen-2, Align-GVGD) all suggest that this variant is likely to be tolerated. Algorithms developed to predict the effect of sequence changes on RNA splicing suggest that this variant may disrupt the consensus splice site. In summary, the available evidence is currently insufficient to determine the role of this variant in disease. Therefore, it has been classified as a Variant of Uncertain Significance. This variant has not been reported in the literature in individuals affected with KIAA0586-related conditions. This variant is not present in population databases (gnomAD no frequency).